The following is an entry in ClinVar:

NM_000543.5(SMPD1):c.349G>A (p.Val117Met)

Gene: SMPD1 (sphingomyelin phosphodiesterase 1; plus strand). Cytogenetic location: 11p15.4.
Variant type: single nucleotide variant.
Coding change: c.349G>A on transcript NM_000543.5 (MANE Select); coding-DNA position 349, G replaced by A.
Protein change: p.Val117Met; replaces valine 117 with methionine.
Molecular consequence: missense variant. On other transcripts: 5 prime UTR variant (1), non-coding transcript variant (2).
Genome position (GRCh38, 1-based): chr11:6,391,414, G>A. VCF-style: chr11-6391414-G-A. GRCh37 (hg19) VCF-style: chr11-6412644-G-A.
Other names: p.Val117Met; c.346G>A, p.Val116Met (NM_001007593.3); c.349G>A, p.Val117Met (NM_001318087.2, NM_001365135.2); c.-613G>A (NM_001318088.2); short protein forms V117M, V116M.
Identifiers: ClinVar variation 305197 (VCV000305197.26), dbSNP rs202206564, ClinGen allele CA5852586.

ClinVar aggregate classification (germline): Conflicting classifications of pathogenicity. Review status: criteria provided, conflicting classifications (1 of 4 stars). 6 submissions from 6 submitters: Uncertain significance (3); Benign (1). 2 of the submissions do not count toward it. Last evaluated 2026-01-18.

Conditions:
SMPD1-related disorder. Also called: SMPD1-related condition.
Niemann-Pick disease, type B. Also called: Chronic Visceral ASMD (Niemann-Pick Disease Type B; NPD-B). Identifiers: Orphanet 77293, MedGen C0268243, MONDO:0011871, OMIM 607616. Disease mechanism: loss of function.
Niemann-Pick disease, type A. Also called: SPHINGOMYELIN LIPIDOSIS; SPHINGOMYELINASE DEFICIENCY; Infantile Neurovisceral ASMD (Niemann-Pick Disease Type A; NPD-A). Identifiers: Orphanet 77292, MedGen C0268242, MONDO:0009756, OMIM 257200. Disease mechanism: loss of function.

Allele frequency attached by ClinVar (database versions not stated): ESP Exome Variant Server 0.00008; gnomAD 0.00011; 1000 Genomes Project 30x 0.00016; 1000 Genomes Project 0.00020; TOPMed 0.00025; ExAC 0.00026.
gnomAD v4.1: 111 of 1,613,030 alleles (0.0069%); highest among the groups gnomAD compares: East Asian, 0.17%; no homozygotes.

Submissions (6):

Labcorp Genetics (formerly Invitae), Labcorp
Classification: Benign for Niemann-Pick disease, type B; Niemann-Pick disease, type A. Last evaluated: 2026-01-18. Review status: criteria provided, single submitter. Criteria: Invitae Variant Classification Sherloc (09022015). Collection method: clinical testing. Allele origin: germline.

Mayo Clinic Laboratories, Mayo Clinic
Classification: Uncertain significance. Last evaluated: 2023-10-17. Review status: criteria provided, single submitter. Criteria: ACMG Guidelines, 2015. Collection method: clinical testing. Allele origin: germline. Observed: 1 variant allele.
Comment: BP4

Illumina Laboratory Services, Illumina
Classification: Uncertain significance for Niemann-Pick disease, type A. Last evaluated: 2018-01-13. Review status: criteria provided, single submitter. Criteria: ICSL Variant Classification Criteria 13 December 2019. Collection method: clinical testing. Allele origin: germline.

Eurofins Ntd Llc (ga)
Classification: Uncertain significance. Last evaluated: 2017-08-07. Review status: criteria provided, single submitter. Criteria: EGL Classification Definitions 2015. Collection method: clinical testing. Allele origin: germline. Observed: 2 variant alleles, 2 heterozygotes.

PreventionGenetics, part of Exact Sciences
Classification: Likely benign for SMPD1-related condition. Last evaluated: 2023-02-08. Review status: no assertion criteria provided. Collection method: clinical testing. Allele origin: germline. Not counted in ClinVar's aggregate classification.
Comment: This variant is classified as likely benign based on ACMG/AMP sequence variant interpretation guidelines (Richards et al. 2015 PMID: 25741868, with internal and published modifications).

Natera, Inc.
Classification: Likely benign for Niemann-Pick Disease, Types A/B. Last evaluated: 2018-06-12. Review status: no assertion criteria provided. Collection method: clinical testing. Allele origin: germline. Not counted in ClinVar's aggregate classification.

Literature cited by the submitters: PubMed 34867278 (cited by Mayo Clinic Laboratories, Mayo Clinic); PubMed 35747619 (cited by Mayo Clinic Laboratories, Mayo Clinic).